The following is an entry in ClinVar:

NM_024422.6(DSC2):c.41T>G (p.Leu14Arg)

Genes: DSC2 (desmocollin 2; minus strand), DSCAS (DSC1/DSC2 antisense RNA; plus strand). Cytogenetic location: 18q12.1.
Variant type: single nucleotide variant.
Coding change: c.41T>G on transcript NM_024422.6 (MANE Select); coding-DNA position 41, T replaced by G.
Protein change: p.Leu14Arg; replaces leucine 14 with arginine.
Molecular consequence: missense variant.
Genome position (GRCh38, 1-based): chr18:31,101,931, A>C on the plus strand (T>G on the coding strand, the complement: DSC2 is on the minus strand). VCF-style: chr18-31101931-A-C. GRCh37 (hg19) VCF-style: chr18-28681894-A-C.
Other names: c.41T>G, p.Leu14Arg (NM_004949.5); short protein forms L14R.
Identifiers: ClinVar variation 3072189 (VCV003072189.1), dbSNP rs2510964017, ClinGen allele CA402115254.

ClinVar aggregate classification (germline): Uncertain significance (1 of 4 stars; one submission).

Conditions:
Familial isolated arrhythmogenic right ventricular dysplasia. Identifiers: Orphanet 217656, MedGen C4274968, MONDO:0016342.

Submission:

All of Us Research Program, National Institutes of Health
Classification: Uncertain significance for Familial isolated arrhythmogenic right ventricular dysplasia. Last evaluated: 2023-06-26. Review status: criteria provided, single submitter. Criteria: ACMG Guidelines, 2015. Collection method: clinical testing. Allele origin: germline. Inheritance: Autosomal dominant inheritance. Observed: 1 variant allele, 1 heterozygote.
Comment: This missense variant replaces leucine with arginine at codon 14 of the DSC2 protein. Computational prediction suggests that this variant may not impact protein structure and function (internally defined REVEL score threshold <= 0.5, PMID: 27666373). To our knowledge, functional studies have not been reported for this variant. This variant has not been reported in individuals affected with DSC2-related disorders in the literature. This variant has not been identified in the general population by the Genome Aggregation Database (gnomAD). The available evidence is insufficient to determine the role of this variant in disease conclusively. Therefore, this variant is classified as a Variant of Uncertain Significance.

This study involves interpretation of variants in research participants for the purpose of population health screening. Participant phenotype was not available at the time of variant classification. Additional details can be found in publication PMID: 35346344, PMCID: PMC8962531